The following is an entry in ClinVar:

NC_000003.12:g.169764819G>A

Genes: TERC (telomerase RNA component; minus strand), LOC110806306 (telomerase RNA component (TERC) promoter; plus strand). Cytogenetic location: 3q26.2.
Variant type: single nucleotide variant.
Genome position: GRCh38 VCF-style: chr3-169764819-G-A. GRCh37 (hg19) VCF-style: chr3-169482607-G-A.
Identifiers: ClinVar variation 647341 (VCV000647341.9), dbSNP rs1375071104, ClinGen allele CA436715302.

ClinVar aggregate classification (germline): Uncertain significance (1 of 4 stars; one submission).

Conditions:
Dyskeratosis congenita, autosomal dominant 1 (DKCA1). Also called: Dyskeratosis congenita Scoggins type. Identifiers: Orphanet 1775, MedGen C4551974, MONDO:0007485, OMIM 127550. Inheritance: Variable.

Submission:

Labcorp Genetics (formerly Invitae), Labcorp
Classification: Uncertain significance for Dyskeratosis congenita, autosomal dominant 1. Last evaluated: 2023-08-04. Review status: criteria provided, single submitter. Criteria: Invitae Variant Classification Sherloc (09022015). Collection method: clinical testing. Allele origin: germline.
Comment: In summary, the available evidence is currently insufficient to determine the role of this variant in disease. Therefore, it has been classified as a Variant of Uncertain Significance. This variant is located within the hypervariable region that is not conserved in the TERC RNA component (PMID: 10721988, 21844345). The functional significance of this region is not well understood. Experimental studies are conflicting or provide insufficient evidence to determine the effect of this variant on TERC function (PMID: 21931702). Algorithms developed to predict the effect of variants on protein structure and function are not available or were not evaluated for this variant. ClinVar contains an entry for this variant (Variation ID: 647341). This variant has been observed in individual(s) with Hoyeraal Hreidarrson syndrome (PMID: 21931702). This variant is not present in population databases (gnomAD no frequency). This variant occurs in the TERC gene, which encodes an RNA molecule that does not result in a protein product.

Literature cited by the submitters: PubMed 10721988; PubMed 21844345; PubMed 21931702.